The following is an entry in ClinVar:

NM_000064.4(C3):c.691A>C (p.Ser231Arg)

Gene: C3 (complement C3; minus strand). Cytogenetic location: 19p13.3.
Variant type: single nucleotide variant.
Coding change: c.691A>C on transcript NM_000064.4 (MANE Select); coding-DNA position 691, A replaced by C.
Protein change: p.Ser231Arg; replaces serine 231 with arginine.
Molecular consequence: missense variant.
Genome position (GRCh38, 1-based): chr19:6,714,074, T>G on the plus strand (A>C on the coding strand, the complement: C3 is on the minus strand). VCF-style: chr19-6714074-T-G. GRCh37 (hg19) VCF-style: chr19-6714085-T-G.
Other names: short protein forms S231R.
Identifiers: ClinVar variation 4280275 (VCV004280275.1).
Genomic context (GRCh38, chr19:6,714,074, plus strand): 5'-GGCCCTTCTCGTTATAGATGTAGTAGAATTTCTCTGTAGGCTCCACTATGACCTCGAAAC[T>G]GGGCAGCACTGGGGGAGAGATGGCGTTGGTGGGGCCGGCGCTGGGCCAGGCGTTCTGGGC-3'
Protein context (NP_000055.2, residues 221-241): EFEVKEYVLP[Ser231Arg]FEVIVEPTEK

ClinVar aggregate classification (germline): Uncertain significance (1 of 4 stars; one submission).

Conditions:
C3 glomerulonephritis. Also called: C3 GLOMERULOPATHY 3; Nephropathy due to CFHR5 Deficiency. Identifiers: Orphanet 329931, MedGen C4055342, MONDO:0013892, OMIM 614809.

Submission:

Genomenon, Inc
Classification: Uncertain significance for C3 glomerulonephritis. Last evaluated: 2025-09-30. Review status: criteria provided, single submitter. Criteria: Genomenon Sequence Variant Interpretation Standards. Collection method: curation. Allele origin: germline. Affected: yes.
Comment: C3 p.Ser231Arg (c.691A>C) is a missense variant that changes the amino acid at residue 231 from Serine to Arginine. This variant has been observed in at least one proband affected with C3 glomerulonephritis (PMID:34456924). It is absent or not present at a significant frequency in gnomAD. In silico models agree that this variant is not damaging. In conclusion, we classify C3 p.Ser231Arg (c.691A>C) as a variant of unknown significance.

Literature cited by the submitters: PubMed 34456924.